The following is an entry in ClinVar:

NM_022436.3(ABCG5):c.905-3dup

Genes: ABCG5 (ATP binding cassette subfamily G member 5; minus strand), DYNC2LI1 (dynein cytoplasmic 2 light intermediate chain 1; plus strand). Cytogenetic location: 2p21.
Variant type: Duplication.
Coding change: c.905-3dup on transcript NM_022436.3 (MANE Select); 3 bases into the intron before coding-DNA position 905, one base duplicated (T; older notation c.905-3dupT).
Molecular consequence: intron variant.
Genome position (GRCh38, 1-based): chr2:43,824,435, A duplicated on the plus strand (T on the coding strand, the reverse complement: ABCG5 is on the minus strand); the first of 4 consecutive A bases (chr2:43,824,435-43,824,438); duplicating any one gives the same sequence. VCF-style (leftmost placement, unchanged base first): chr2-43824434-T-TA. GRCh37 (hg19) VCF-style: chr2-44051573-T-TA.
Other names: c.*16-2948dup (NM_001348913.2, NM_001348912.2).
Identifiers: ClinVar variation 336045 (VCV000336045.18), dbSNP rs142037828, ClinGen allele CA1636445.
Genomic context (GRCh38, chr2:43,824,434, plus strand): 5'-TCTCTTGGAGGTTTCTATTTCCCGTTCCTTGCTTTGGGTATCCACTGACGTCAGGTCCAC[T>TA]AAAAGTTTTTCCCAAAAGATGTCACCCATGTGTTTTTAAATGCATGTATGTACATGGATA-3'

ClinVar aggregate classification (germline): Conflicting classifications of pathogenicity. Review status: criteria provided, conflicting classifications (1 of 4 stars). 4 submissions from 4 submitters: Uncertain significance (1); Benign (1); Likely benign (1). 1 of the submissions does not count toward it. Last evaluated 2026-04-10.

Conditions:
Sitosterolemia (STSL). Also called: PHYTOSTEROLEMIA. Identifiers: Orphanet 2882, MedGen C0342907, MONDO:0008863.
Cardiovascular phenotype. Identifiers: MedGen CN230736.
ABCG5-related disorder. Also called: ABCG5-related condition.

Submissions (4):

Ambry Genetics
Classification: Benign for Cardiovascular phenotype. Last evaluated: 2026-04-10. Review status: criteria provided, single submitter. Criteria: Ambry Variant Classification Scheme 2023. Collection method: clinical testing. Allele origin: germline.

Labcorp Genetics (formerly Invitae), Labcorp
Classification: Likely benign for Sitosterolemia. Last evaluated: 2025-08-12. Review status: criteria provided, single submitter. Criteria: Invitae Variant Classification Sherloc (09022015). Collection method: clinical testing. Allele origin: germline.

Women's Health and Genetics/Laboratory Corporation of America, LabCorp
Classification: Uncertain significance. Last evaluated: 2023-07-18. Review status: criteria provided, single submitter. Criteria: LabCorp Variant Classification Summary - May 2015. Collection method: clinical testing. Allele origin: germline.

PreventionGenetics, part of Exact Sciences
Classification: Likely benign for ABCG5-related condition. Last evaluated: 2019-10-01. Review status: no assertion criteria provided. Collection method: clinical testing. Allele origin: germline. Not counted in ClinVar's aggregate classification.
Comment: This variant is classified as likely benign based on ACMG/AMP sequence variant interpretation guidelines (Richards et al. 2015 PMID: 25741868, with internal and published modifications).